The following is an entry in ClinVar:

NM_024580.6(EFL1):c.2527T>A (p.Phe843Ile)

Gene: EFL1 (elongation factor like GTPase 1; minus strand). Cytogenetic location: 15q25.2.
Variant type: single nucleotide variant.
Coding change: c.2527T>A on transcript NM_024580.6 (MANE Select); coding-DNA position 2527, T replaced by A.
Protein change: p.Phe843Ile; replaces phenylalanine 843 with isoleucine.
Molecular consequence: missense variant. On other transcripts: non-coding transcript variant (1).
Genome position (GRCh38, 1-based): chr15:82,151,927, A>T on the plus strand (T>A on the coding strand, the complement: EFL1 is on the minus strand). VCF-style: chr15-82151927-A-T. GRCh37 (hg19) VCF-style: chr15-82444268-A-T.
Other names: c.2374T>A, p.Phe792Ile (NM_001040610.3); c.1738T>A, p.Phe580Ile (NM_001322844.2); c.2527T>A, p.Phe843Ile (NM_001322845.2); short protein forms F792I, F843I, F580I.
Identifiers: ClinVar variation 1422528 (VCV001422528.4), dbSNP rs369867070, ClinGen allele CA7697735.

ClinVar aggregate classification (germline): Uncertain significance. Review status: criteria provided, multiple submitters, no conflicts (2 of 4 stars). 2 submissions from 2 submitters: Uncertain significance (2). Last evaluated 2024-10-21.

Allele frequency attached by ClinVar (database versions not stated): gnomAD exomes 0.00006 and 0.00010; ExAC 0.00009; gnomAD 0.00009; TOPMed 0.00013; ESP Exome Variant Server 0.00017.
gnomAD v4.1: 100 of 1,613,912 alleles (0.0062%); highest among the groups gnomAD compares: Middle Eastern, 0.033%; no homozygotes.

Submissions (2):

Blueprint Genetics
Classification: Uncertain significance. Last evaluated: 2024-10-21. Review status: criteria provided, single submitter. Criteria: ACMG Guidelines, 2015. Collection method: clinical testing. Allele origin: germline.

Labcorp Genetics (formerly Invitae), Labcorp
Classification: Uncertain significance. Last evaluated: 2022-08-12. Review status: criteria provided, single submitter. Criteria: Invitae Variant Classification Sherloc (09022015). Collection method: clinical testing. Allele origin: germline.
Comment: This sequence change replaces phenylalanine, which is neutral and non-polar, with isoleucine, which is neutral and non-polar, at codon 843 of the EFL1 protein (p.Phe843Ile). This variant is present in population databases (rs369867070, gnomAD 0.1%). This variant has not been reported in the literature in individuals affected with EFL1-related conditions. ClinVar contains an entry for this variant (Variation ID: 1422528). Algorithms developed to predict the effect of missense changes on protein structure and function are either unavailable or do not agree on the potential impact of this missense change (SIFT: "Tolerated"; PolyPhen-2: "Not Available"; Align-GVGD: "Class C0"). In summary, the available evidence is currently insufficient to determine the role of this variant in disease. Therefore, it has been classified as a Variant of Uncertain Significance.